The following is an entry in ClinVar:

NM_022051.3(EGLN1):c.491C>A (p.Pro164His)

Gene: EGLN1 (egl-9 family hypoxia inducible factor 1; minus strand). Cytogenetic location: 1q42.2.
Variant type: single nucleotide variant.
Coding change: c.491C>A on transcript NM_022051.3 (MANE Select); coding-DNA position 491, C replaced by A.
Protein change: p.Pro164His; replaces proline 164 with histidine.
Molecular consequence: missense variant.
Genome position (GRCh38, 1-based): chr1:231,421,398, G>T on the plus strand (C>A on the coding strand, the complement: EGLN1 is on the minus strand). VCF-style: chr1-231421398-G-T. GRCh37 (hg19) VCF-style: chr1-231557144-G-T.
Other names: c.491C>A, p.Pro164His (NM_001377260.1, NM_001377261.1); short protein forms P164H.
Identifiers: ClinVar variation 4870331 (VCV004870331.2).

ClinVar aggregate classification (germline): Uncertain significance (1 of 4 stars; one submission).

gnomAD v4.1: 1 of 1,603,656 alleles (0.000062%); highest among the groups gnomAD compares: Non-Finnish European, 0.000085%; no homozygotes.

Submission:

Ambry Genetics
Classification: Uncertain significance. Last evaluated: 2026-08-03. Review status: criteria provided, single submitter. Criteria: Ambry Variant Classification Scheme 2023. Collection method: clinical testing. Allele origin: germline.
Comment: The p.P164H variant (also known as c.491C>A), located in coding exon 1 of the EGLN1 gene, results from a C to A substitution at nucleotide position 491. The proline at codon 164 is replaced by histidine, an amino acid with similar properties. This amino acid position is well conserved in available vertebrate species. In addition, this alteration is predicted to be tolerated by in silico analysis. The evidence for this gene-disease relationship is limited; therefore, the clinical significance of this variant is unclear.